The following is an entry in ClinVar:

NM_032043.3(BRIP1):c.2370_2379+20del

Gene: BRIP1 (BRCA1 interacting DNA helicase 1; minus strand). Cytogenetic location: 17q23.2.
Variant type: Deletion.
Coding change: c.2370_2379+20del on transcript NM_032043.3 (MANE Select); coding-DNA position 2370 through 20 bases into the intron after coding-DNA position 2379, 30 bases deleted (AGATCTACAGGTAGGCCATCAAAACCTTAA).
Molecular consequence: splice donor variant.
Genome position (GRCh38, 1-based): chr17:61,742,993-61,743,022, TTAAGGTTTTGATGGCCTACCTGTAGATCT deleted on the plus strand (AGATCTACAGGTAGGCCATCAAAACCTTAA on the coding strand, the reverse complement: BRIP1 is on the minus strand); deleting any 30 consecutive bases within chr17:61,742,993-61,743,024 gives the same sequence; the c. name uses the placement nearest the transcript's 3' end. VCF-style (leftmost placement, unchanged base first): chr17-61742992-CTTAAGGTTTTGATGGCCTACCTGTAGATCT-C. GRCh37 (hg19) VCF-style: chr17-59820353-CTTAAGGTTTTGATGGCCTACCTGTAGATCT-C.
Identifiers: ClinVar variation 1067187 (VCV001067187.11), dbSNP rs2144674380, ClinGen allele CA2499224786.
Genomic context (GRCh38, chr17:61,742,992, plus strand): 5'-AAAATGAGGGATCCCTGCAATTAACTTTATACAAAACCAATGACTCCTGTAATAATAAAA[CTTAAGGTTTTGATGGCCTACCTGTAGATCT>C]TTCACATTTGGAAAAGGAATTCCTATTGTTATGACAGCACGGGCATTGTCATCTGAGAAA-3'

ClinVar aggregate classification (germline): Likely pathogenic. Review status: criteria provided, multiple submitters, no conflicts (2 of 4 stars). 3 submissions from 3 submitters: Likely pathogenic (3). Last evaluated 2023-06-06.

Conditions:
Familial cancer of breast. Also called: Hereditary breast cancer; BREAST CANCER, FAMILIAL; hereditary breast carcinoma. Identifiers: Orphanet 227535, MedGen C0346153, MONDO:0016419, OMIM 114480. Disease mechanism: loss of function.
Fanconi anemia complementation group J. Also called: BRIP1-Related Fanconi Anemia. Identifiers: Orphanet 84, MedGen C1836860, MONDO:0012187, OMIM 609054.
Hereditary cancer-predisposing syndrome. Also called: Tumor predisposition; Neoplastic Syndromes, Hereditary; Hereditary neoplastic syndrome; Hereditary Cancer Syndrome. Identifiers: Orphanet 140162, MedGen C0027672, MeSH D009386, MONDO:0015356.

Submissions (3):

Myriad Genetics, Inc.
Classification: Likely pathogenic for Familial cancer of breast. Last evaluated: 2023-06-06. Review status: criteria provided, single submitter. Criteria: Myriad Autosomal Dominant, Autosomal Recessive and X-Linked Classification Criteria (2023). Collection method: clinical testing. Allele origin: unknown.
Comment: This variant is considered likely pathogenic. This variant occurs within a consensus splice junction and is predicted to result in abnormal mRNA splicing of either an out-of-frame exon or an in-frame exon necessary for protein stability and/or normal function.

Labcorp Genetics (formerly Invitae), Labcorp
Classification: Likely pathogenic for Familial cancer of breast; Fanconi anemia complementation group J. Last evaluated: 2021-06-17. Review status: criteria provided, single submitter. Criteria: Invitae Variant Classification Sherloc (09022015). Collection method: clinical testing. Allele origin: germline.
Comment: In summary, the currently available evidence indicates that the variant is pathogenic, but additional data are needed to prove that conclusively. Therefore, this variant has been classified as Likely Pathogenic. Algorithms developed to predict the effect of sequence changes on RNA splicing suggest that this variant may disrupt the consensus splice site, but this prediction has not been confirmed by published transcriptional studies. This variant has not been reported in the literature in individuals with BRIP1-related conditions. This variant is not present in population databases (ExAC no frequency). This variant results in the deletion of part of exon 16 (c.2370_2379+20del) of the BRIP1 gene. It is expected to disrupt RNA splicing. Variants that disrupt the donor or acceptor splice site typically lead to a loss of protein function (PMID: 16199547), and loss-of-function variants in BRIP1 are known to be pathogenic (PMID: 16116423, 17033622, 21964575).

Ambry Genetics
Classification: Likely pathogenic for Hereditary cancer-predisposing syndrome. Last evaluated: 2020-06-23. Review status: criteria provided, single submitter. Criteria: Ambry Variant Classification Scheme 2023. Collection method: clinical testing. Allele origin: germline.
Comment: The c.2370_2379+20DEL30 variant is located in coding exon 15 and intron 15 of the BRIP1 gene. This variant results from a deletion of 9 exonic and 20 intronic nucleotides at position c.2370 to c.2379+20. In silico splice site analysis predicts that this alteration will weaken the native splice donor site. RNA studies have demonstrated that this alteration results in abnormal splicing in the set of samples tested (Ambry internal data). Alterations that disrupt the canonical splice site are expected to cause aberrant splicing, resulting in an abnormal protein or a transcript that is subject to nonsense-mediated mRNA decay. As such, this alteration is classified as likely pathogenic.

Literature cited by the submitters: PubMed 16199547 (cited by Labcorp Genetics (formerly Invitae), Labcorp); PubMed 16116423 (cited by Labcorp Genetics (formerly Invitae), Labcorp); PubMed 17033622 (cited by Labcorp Genetics (formerly Invitae), Labcorp); PubMed 21964575 (cited by Labcorp Genetics (formerly Invitae), Labcorp).